The following is an entry in ClinVar:

NM_006397.3(RNASEH2A):c.719C>T (p.Thr240Met)

Gene: RNASEH2A (ribonuclease H2 subunit A; plus strand). Cytogenetic location: 19p13.13.
Variant type: single nucleotide variant.
Coding change: c.719C>T on transcript NM_006397.3 (MANE Select); coding-DNA position 719, C replaced by T.
Protein change: p.Thr240Met; replaces threonine 240 with methionine.
Molecular consequence: missense variant.
Genome position (GRCh38, 1-based): chr19:12,813,164, C>T. VCF-style: chr19-12813164-C-T. GRCh37 (hg19) VCF-style: chr19-12923978-C-T.
Other names: short protein forms T240M.
Identifiers: ClinVar variation 126400 (VCV000126400.9), dbSNP rs79843600, ClinGen allele CA345502.

ClinVar aggregate classification (germline): Uncertain significance. Review status: criteria provided, multiple submitters, no conflicts (2 of 4 stars). 4 submissions from 4 submitters: Uncertain significance (3). 1 of the submissions does not count toward it. Last evaluated 2024-07-11.

Conditions:
Aicardi-Goutieres syndrome 4. Identifiers: Orphanet 51, MedGen C1835912, MONDO:0012472, OMIM 610333.

Allele frequency attached by ClinVar (database versions not stated): gnomAD 0.00003; TOPMed 0.00005; 1000 Genomes Project 30x 0.00016.

Submissions (4):

Women's Health and Genetics/Laboratory Corporation of America, LabCorp
Classification: Uncertain significance. Last evaluated: 2024-07-11. Review status: criteria provided, single submitter. Criteria: LabCorp Variant Classification Summary - May 2015. Collection method: clinical testing. Allele origin: germline.
Comment: Variant summary: RNASEH2A c.719C>T (p.Thr240Met) results in a non-conservative amino acid change located in the Ribonuclease HII/HIII domain (IPR024567) of the encoded protein sequence. Five of five in-silico tools predict a damaging effect of the variant on protein function. The variant allele was found at a frequency of 2.4e-05 in 251008 control chromosomes (gnomAD). c.719C>T has been reported in the literature in an individual affected with Aicardi Goutieres Syndrome, although it was found in cis with a truncating variant (Rice_2013). This report does not provide unequivocal conclusions about association of the variant with Aicardi Goutieres Syndrome. At least one publication reports experimental evidence evaluating an impact on protein function, finding that the variant reduces catalytic efficiency with one of the nucleic acid substrates tested (Coffin_2011). The following publications have been ascertained in the context of this evaluation (PMID: 24183309, 21454563). ClinVar contains an entry for this variant (Variation ID: 126400). Based on the evidence outlined above, the variant was classified as VUS-possibly pathogenic.

Labcorp Genetics (formerly Invitae), Labcorp
Classification: Uncertain significance for Aicardi-Goutieres syndrome 4. Last evaluated: 2022-10-24. Review status: criteria provided, single submitter. Criteria: Invitae Variant Classification Sherloc (09022015). Collection method: clinical testing. Allele origin: germline.
Comment: This sequence change replaces threonine, which is neutral and polar, with methionine, which is neutral and non-polar, at codon 240 of the RNASEH2A protein (p.Thr240Met). This variant is present in population databases (rs79843600, gnomAD 0.01%). This variant has not been reported in the literature in individuals affected with RNASEH2A-related conditions. ClinVar contains an entry for this variant (Variation ID: 126400). Advanced modeling of protein sequence and biophysical properties (such as structural, functional, and spatial information, amino acid conservation, physicochemical variation, residue mobility, and thermodynamic stability) performed at Invitae indicates that this missense variant is expected to disrupt RNASEH2A protein function. Experimental studies are conflicting or provide insufficient evidence to determine the effect of this variant on RNASEH2A function (PMID: 21454563). In summary, the available evidence is currently insufficient to determine the role of this variant in disease. Therefore, it has been classified as a Variant of Uncertain Significance.

Breakthrough Genomics
Classification: Uncertain significance. Review status: criteria provided, single submitter. Criteria: ACMG Guidelines, 2015. Collection method: not provided. Allele origin: germline. Inheritance: Autosomal recessive inheritance. Affected: yes.

GeneReviews
No classification provided. Condition: Aicardi-Goutieres syndrome 4. Review status: no classification provided. Collection method: literature only. Allele origin: germline. Affected: yes. Not counted in ClinVar's aggregate classification.

Literature cited by the submitters: PubMed 24183309 (cited by Women's Health and Genetics/Laboratory Corporation of America, LabCorp); PubMed 21454563 (cited by Women's Health and Genetics/Laboratory Corporation of America, LabCorp and Labcorp Genetics (formerly Invitae), Labcorp); NCBI Bookshelf NBK1475 (cited by GeneReviews).